The following is an entry in ClinVar:

NM_000158.4(GBE1):c.274del (p.Ala92fs)

Gene: GBE1 (1,4-alpha-glucan branching enzyme 1; minus strand). Cytogenetic location: 3p12.2.
Variant type: Deletion.
Coding change: c.274del on transcript NM_000158.4 (MANE Select); coding-DNA position 274, one base deleted (G; older notation c.274delG).
Protein change: p.Ala92fs; shifts the reading frame from alanine 92.
Molecular consequence: frameshift variant.
Genome position (GRCh38, 1-based): chr3:81,705,483, C deleted on the plus strand (G on the coding strand, the reverse complement: GBE1 is on the minus strand); the first of 3 consecutive C bases (chr3:81,705,483-81,705,485); deleting any one gives the same sequence. VCF-style (leftmost placement, unchanged base first): chr3-81705482-GC-G. GRCh37 (hg19) VCF-style: chr3-81754633-GC-G.
Other names: short protein forms A92fs.
Identifiers: ClinVar variation 2942178 (VCV002942178.3), dbSNP rs2471917414, ClinGen allele CA2740094515.

ClinVar aggregate classification (germline): Pathogenic (1 of 4 stars; one submission).

Conditions:
Glycogen storage disease, type IV (GSD4). Also called: AMYLOPECTINOSIS; ANDERSEN DISEASE; BRANCHER DEFICIENCY; CIRRHOSIS, FAMILIAL, WITH DEPOSITION OF ABNORMAL GLYCOGEN; GBE1 DEFICIENCY; GLYCOGEN BRANCHING ENZYME DEFICIENCY. Identifiers: Orphanet 367, MedGen C0017923, MONDO:0009292, OMIM 232500.
Glycogen storage disease IV, classic hepatic. Also called: GSD IV, CLASSIC HEPATIC. Identifiers: MedGen C1856301.

Submission:

Labcorp Genetics (formerly Invitae), Labcorp
Classification: Pathogenic for Glycogen storage disease, type IV; Glycogen storage disease IV, classic hepatic. Last evaluated: 2022-12-19. Review status: criteria provided, single submitter. Criteria: Invitae Variant Classification Sherloc (09022015). Collection method: clinical testing. Allele origin: germline.
Comment: For these reasons, this variant has been classified as Pathogenic. This variant has not been reported in the literature in individuals affected with GBE1-related conditions. This variant is not present in population databases (gnomAD no frequency). This sequence change creates a premature translational stop signal (p.Ala92Profs*51) in the GBE1 gene. It is expected to result in an absent or disrupted protein product. Loss-of-function variants in GBE1 are known to be pathogenic (PMID: 15452297, 20058079).

Literature cited by the submitters: PubMed 15452297; PubMed 20058079.